The following is an entry in ClinVar:

NM_015331.3(NCSTN):c.915G>T (p.Gln305His)

Gene: NCSTN (nicastrin; plus strand). Cytogenetic location: 1q23.2.
Variant type: single nucleotide variant.
Coding change: c.915G>T on transcript NM_015331.3 (MANE Select); coding-DNA position 915, G replaced by T.
Protein change: p.Gln305His; replaces glutamine 305 with histidine.
Molecular consequence: missense variant. On other transcripts: intron variant (1).
Genome position (GRCh38, 1-based): chr1:160,352,125, G>T. VCF-style: chr1-160352125-G-T. GRCh37 (hg19) VCF-style: chr1-160321915-G-T.
Other names: c.855G>T, p.Gln285His (NM_001290184.2); c.915G>T, p.Gln305His (NM_001349729.2); c.583-762G>T (NM_001290186.2); c.915G>T (NM_015331.2); short protein forms Q285H, Q305H.
Identifiers: ClinVar variation 1935945 (VCV001935945.7), dbSNP rs903574436, ClinGen allele CA31538678.
Genomic context (GRCh38, chr1:160,352,125, plus strand): 5'-TTCCTTTTTCTGGAATGTGGCCCCAGGGGCTGAAAGCGCAGTGGCTTCCTTTGTCACCCA[G>T]CTGGCTGCTGCTGAAGCTTTGCAAAAGGCACCTGATGTGACCACCCTGCCCCGCAATGTC-3'
Protein context (NP_056146.1, residues 295-315): AESAVASFVT[Gln305His]LAAAEALQKA

ClinVar aggregate classification (germline): Uncertain significance. Review status: criteria provided, multiple submitters, no conflicts (2 of 4 stars). 3 submissions from 3 submitters: Uncertain significance (3). Last evaluated 2025-07-28.

Conditions:
Inborn genetic diseases. Identifiers: MedGen C0950123, MeSH D030342.
Acne inversa, familial, 1. Identifiers: MedGen C4551962, MONDO:0007728, OMIM 142690.

Allele frequency attached by ClinVar (database versions not stated): gnomAD exomes below 0.00001; gnomAD 0.00003; TOPMed 0.00004.

Submissions (3):

Labcorp Genetics (formerly Invitae), Labcorp
Classification: Uncertain significance. Last evaluated: 2025-07-28. Review status: criteria provided, single submitter. Criteria: Invitae Variant Classification Sherloc (09022015). Collection method: clinical testing. Allele origin: germline.
Comment: This sequence change replaces glutamine, which is neutral and polar, with histidine, which is basic and polar, at codon 305 of the NCSTN protein (p.Gln305His). This variant is present in population databases (no rsID available, gnomAD 0.006%). This variant has not been reported in the literature in individuals affected with NCSTN-related conditions. ClinVar contains an entry for this variant (Variation ID: 1935945). Invitae Evidence Modeling of protein sequence and biophysical properties (such as structural, functional, and spatial information, amino acid conservation, physicochemical variation, residue mobility, and thermodynamic stability) indicates that this missense variant is not expected to disrupt NCSTN protein function with a negative predictive value of 80%. In summary, the available evidence is currently insufficient to determine the role of this variant in disease. Therefore, it has been classified as a Variant of Uncertain Significance.

Ambry Genetics
Classification: Uncertain significance for Inborn genetic diseases. Last evaluated: 2024-12-28. Review status: criteria provided, single submitter. Criteria: Ambry Variant Classification Scheme 2023. Collection method: clinical testing. Allele origin: germline.

Laboratorio de Genetica e Diagnostico Molecular, Hospital Israelita Albert Einstein
Classification: Uncertain significance for Acne inversa, familial, 1. Last evaluated: 2024-04-19. Review status: criteria provided, single submitter. Criteria: ACMG Guidelines, 2015. Collection method: clinical testing. Allele origin: germline. Affected: yes.
Comment: ACMG classification criteria: PP3 supporting